The following is an entry in ClinVar:

ClinVar aggregate classification (germline): Uncertain significance (1 of 4 stars; one submission).

Conditions:
Supravalvar aortic stenosis (SVAS). Also called: Supravalvar aortic stenosis, Eisenberg type. Identifiers: Orphanet 3193, MedGen C0003499, MONDO:0008504, OMIM 185500, HP:0004381.

Submission:

Labcorp Genetics (formerly Invitae), Labcorp
Classification: Uncertain significance for Supravalvar aortic stenosis. Last evaluated: 2024-08-11. Review status: criteria provided, single submitter. Criteria: Invitae Variant Classification Sherloc (09022015). Collection method: clinical testing. Allele origin: germline.
Comment: This sequence change replaces glycine, which is neutral and non-polar, with arginine, which is basic and polar, at codon 590 of the ELN protein (p.Gly590Arg). This variant is not present in population databases (gnomAD no frequency). This variant has not been reported in the literature in individuals affected with ELN-related conditions. Advanced modeling of protein sequence and biophysical properties (such as structural, functional, and spatial information, amino acid conservation, physicochemical variation, residue mobility, and thermodynamic stability) performed at Invitae indicates that this missense variant is not expected to disrupt ELN protein function with a negative predictive value of 80%. In summary, the available evidence is currently insufficient to determine the role of this variant in disease. Therefore, it has been classified as a Variant of Uncertain Significance.

NM_000501.4(ELN):c.1681G>A (p.Gly561Arg)

Genes: ELN-AS1 (ELN antisense RNA 1; minus strand), ELN (elastin; plus strand). Cytogenetic location: 7q11.23.
Variant type: single nucleotide variant.
Coding change: c.1681G>A on transcript NM_000501.4 (MANE Select); coding-DNA position 1681, G replaced by A.
Protein change: p.Gly561Arg; replaces glycine 561 with arginine.
Molecular consequence: missense variant.
Genome position (GRCh38, 1-based): chr7:74,060,435, G>A. VCF-style: chr7-74060435-G-A. GRCh37 (hg19) VCF-style: chr7-73474765-G-A.
Other names: c.1594G>A, p.Gly532Arg (NM_001081752.3); c.1639G>A, p.Gly547Arg (NM_001081753.3); c.1696G>A, p.Gly566Arg (NM_001081754.3); c.1624G>A, p.Gly542Arg (NM_001081755.3); c.1681G>A, p.Gly561Arg (NM_001278912.2); c.1438G>A, p.Gly480Arg (NM_001278913.2); c.1609G>A, p.Gly537Arg (NM_001278914.2); c.1699G>A, p.Gly567Arg (NM_001278915.2); and 4 more; short protein forms G472R, G532R, G551R, G567R, G547R, G566R, G542R, G561R.
Identifiers: ClinVar variation 3662025 (VCV003662025.2).